The following is an entry in ClinVar:

NM_014629.4(ARHGEF10):c.2266A>T (p.Asn756Tyr)

Gene: ARHGEF10 (Rho guanine nucleotide exchange factor 10; plus strand). Cytogenetic location: 8p23.3.
Variant type: single nucleotide variant.
Coding change: c.2266A>T on transcript NM_014629.4 (MANE Select); coding-DNA position 2266, A replaced by T.
Protein change: p.Asn756Tyr; replaces asparagine 756 with tyrosine.
Molecular consequence: missense variant.
Genome position (GRCh38, 1-based): chr8:1,923,474, A>T. VCF-style: chr8-1923474-A-T. GRCh37 (hg19) VCF-style: chr8-1871640-A-T.
Other names: c.2152A>T, p.Asn718Tyr (NM_001308152.2); c.2266A>T, p.Asn756Tyr (NM_001308153.3); short protein forms N756Y, N780Y, N718Y.
Identifiers: ClinVar variation 2705002 (VCV002705002.3), dbSNP rs2537880587, ClinGen allele CA369965441.
Genomic context (GRCh38, chr8:1,923,474, plus strand): 5'-GATGGCCCTAGTTTTTAAACACTTTTGAAATGTGCGTATTTATTTCCTTTGTAGAACTTA[A>T]ACCAGTCAGTAGCCCATGACTGGACATCAGGTTTACAAAGGCTTATTTTGAAGAAAGAAG-3'
Protein context (NP_055444.2, residues 746-766): GNLKGNYQNL[Asn756Tyr]QSVAHDWTSG

ClinVar aggregate classification (germline): Uncertain significance (1 of 4 stars; one submission).

Submission:

Labcorp Genetics (formerly Invitae), Labcorp
Classification: Uncertain significance. Last evaluated: 2023-12-23. Review status: criteria provided, single submitter. Criteria: Invitae Variant Classification Sherloc (09022015). Collection method: clinical testing. Allele origin: germline.
Comment: This sequence change replaces asparagine, which is neutral and polar, with tyrosine, which is neutral and polar, at codon 756 of the ARHGEF10 protein (p.Asn756Tyr). This variant is not present in population databases (gnomAD no frequency). This variant has not been reported in the literature in individuals affected with ARHGEF10-related conditions. Advanced modeling of protein sequence and biophysical properties (such as structural, functional, and spatial information, amino acid conservation, physicochemical variation, residue mobility, and thermodynamic stability) has been performed at Invitae for this missense variant, however the output from this modeling did not meet the statistical confidence thresholds required to predict the impact of this variant on ARHGEF10 protein function. In summary, the available evidence is currently insufficient to determine the role of this variant in disease. Therefore, it has been classified as a Variant of Uncertain Significance.